The following is an entry in ClinVar:

NM_006389.5(HYOU1):c.2593T>C (p.Trp865Arg)

Gene: HYOU1 (hypoxia up-regulated 1; minus strand). Cytogenetic location: 11q23.3.
Variant type: single nucleotide variant.
Coding change: c.2593T>C on transcript NM_006389.5 (MANE Select); coding-DNA position 2593, T replaced by C.
Protein change: p.Trp865Arg; replaces tryptophan 865 with arginine.
Molecular consequence: missense variant.
Genome position (GRCh38, 1-based): chr11:119,047,736, A>G on the plus strand (T>C on the coding strand, the complement: HYOU1 is on the minus strand). VCF-style: chr11-119047736-A-G. GRCh37 (hg19) VCF-style: chr11-118918448-A-G.
Other names: c.2593T>C, p.Trp865Arg (NM_001130991.3, NM_001411041.1); short protein forms W865R.
Identifiers: ClinVar variation 4715346 (VCV004715346.1).

ClinVar aggregate classification (germline): Uncertain significance (1 of 4 stars; one submission).

Submission:

Labcorp Genetics (formerly Invitae), Labcorp
Classification: Uncertain significance. Last evaluated: 2025-03-23. Review status: criteria provided, single submitter. Criteria: Invitae Variant Classification Sherloc (09022015). Collection method: clinical testing. Allele origin: germline.
Comment: This sequence change replaces tryptophan, which is neutral and slightly polar, with arginine, which is basic and polar, at codon 865 of the HYOU1 protein (p.Trp865Arg). This variant is not present in population databases (gnomAD no frequency). This variant has not been reported in the literature in individuals affected with HYOU1-related conditions. An algorithm developed to predict the effect of missense changes on protein structure and function (PolyPhen-2) suggests that this variant is likely to be tolerated. In summary, the available evidence is currently insufficient to determine the role of this variant in disease. Therefore, it has been classified as a Variant of Uncertain Significance.